The following is an entry in ClinVar:

NM_000531.6(OTC):c.650C>G (p.Ala217Gly)

Gene: OTC (ornithine transcarbamylase; plus strand). Cytogenetic location: Xp11.4.
Variant type: single nucleotide variant.
Coding change: c.650C>G on transcript NM_000531.6 (MANE Select); coding-DNA position 650, C replaced by G.
Protein change: p.Ala217Gly; replaces alanine 217 with glycine.
Molecular consequence: missense variant.
Genome position (GRCh38, 1-based): chrX:38,403,727, C>G. VCF-style: chrX-38403727-C-G. GRCh37 (hg19) VCF-style: chrX-38262980-C-G.
Other names: short protein forms A217G.
Identifiers: ClinVar variation 1308187 (VCV001308187.4), dbSNP rs72558424, ClinGen allele CA412725977.

ClinVar aggregate classification (germline): Uncertain significance. Review status: criteria provided, multiple submitters, no conflicts (2 of 4 stars). 2 submissions from 2 submitters: Uncertain significance (2). Last evaluated 2025-12-10.

Conditions:
Ornithine carbamoyltransferase deficiency (OTCD). Also called: ORNITHINE TRANSCARBAMYLASE DEFICIENCY; ORNITHINE TRANSCARBAMYLASE DEFICIENCY, HYPERAMMONEMIA DUE TO; OTC DEFICIENCY; Ornithine Carbamoyltransferase Deficiency Disease. Identifiers: Orphanet 664, MedGen C0268542, MONDO:0010703, OMIM 311250.

Allele frequency attached by ClinVar (database versions not stated): gnomAD exomes below 0.00001.
gnomAD v4.1: 1 of 1,210,767 alleles (0.000083%); highest among the groups gnomAD compares: African/African-American, 0.0017%; no homozygotes.

Submissions (2):

GeneDx
Classification: Uncertain significance. Last evaluated: 2025-12-10. Review status: criteria provided, single submitter. Criteria: GeneDx Variant Classification Process June 2021. Collection method: clinical testing. Allele origin: germline. Affected: yes.
Comment: Published functional studies support this variant is associated with impaired OTC activity (PMID: 37146589); Not observed at significant frequency in large population cohorts (gnomAD); In silico analysis supports that this missense variant has a deleterious effect on protein structure/function; This variant is associated with the following publications: (PMID: 37146589)

All of Us Research Program, National Institutes of Health
Classification: Uncertain significance for Ornithine carbamoyltransferase deficiency. Last evaluated: 2023-04-03. Review status: criteria provided, single submitter. Criteria: ACMG Guidelines, 2015. Collection method: clinical testing. Allele origin: germline. Inheritance: X-linked inheritance. Observed: 1 variant allele, 1 heterozygote.
Comment: This missense variant replaces alanine with glycine at codon 217 of the OTC protein. Computational prediction is inconclusive regarding the impact of this variant on protein structure and function (internally defined REVEL score threshold 0.5 < inconclusive < 0.7, PMID: 27666373). To our knowledge, functional studies have not been reported for this variant. This variant has not been reported in individuals affected with OTC-related disorders in the literature. This variant has not been identified in the general population by the Genome Aggregation Database (gnomAD). The available evidence is insufficient to determine the role of this variant in disease conclusively. Therefore, this variant is classified as a Variant of Uncertain Significance.

This study involves interpretation of variants in research participants for the purpose of population health screening. Participant phenotype was not available at the time of variant classification. Additional details can be found in publication PMID: 35346344, PMCID: PMC8962531